The following is an entry in ClinVar:

NM_005529.7(HSPG2):c.2827T>G (p.Leu943Val)

Gene: HSPG2 (heparan sulfate proteoglycan 2; minus strand). Cytogenetic location: 1p36.12.
Variant type: single nucleotide variant.
Coding change: c.2827T>G on transcript NM_005529.7 (MANE Select); coding-DNA position 2827, T replaced by G.
Protein change: p.Leu943Val; replaces leucine 943 with valine.
Molecular consequence: missense variant.
Genome position (GRCh38, 1-based): chr1:21,876,405, A>C on the plus strand (T>G on the coding strand, the complement: HSPG2 is on the minus strand). VCF-style: chr1-21876405-A-C. GRCh37 (hg19) VCF-style: chr1-22202898-A-C.
Other names: c.2827T>G (NM_005529.6, NM_005529.5); c.2830T>G, p.Leu944Val (NM_001291860.2); short protein forms L943V, L944V.
Identifiers: ClinVar variation 1035982 (VCV001035982.13), dbSNP rs779674194, ClinGen allele CA672835.
Genomic context (GRCh38, chr1:21,876,405, plus strand): 5'-TGTGGGTGCTTGCGGCGTTGGTCAGGCTGAAGTGACCAGGCTCCTCAGAGGCCCCATGCA[A>C]CTGGGAGGAGGAGAAAGGGCTGGGATGGGGGCCGTGGCCTGGGACTGGCGCTTGGTCCAT-3'
Protein context (NP_005520.4, residues 933-953): CTSSSWSRAQ[Leu943Val]HGASEEPGHF

ClinVar aggregate classification (germline): Conflicting classifications of pathogenicity. Review status: criteria provided, conflicting classifications (1 of 4 stars). 4 submissions from 4 submitters: Uncertain significance (3); Likely benign (1). Last evaluated 2025-03-10.

Conditions:
HSPG2-related disorder. Also called: HSPG2-related condition; HSPG2-related disorders.
Inborn genetic diseases. Identifiers: MedGen C0950123, MeSH D030342.

Allele frequency attached by ClinVar (database versions not stated): TOPMed 0.00001; gnomAD 0.00005 and below 0.00001; gnomAD exomes 0.00008 and 0.00015; ExAC 0.00021.
gnomAD v4.1: 121 of 1,610,394 alleles (0.0075%); highest among the groups gnomAD compares: South Asian, 0.13%; 1 homozygote.

Submissions (4):

Labcorp Genetics (formerly Invitae), Labcorp
Classification: Uncertain significance. Last evaluated: 2025-03-10. Review status: criteria provided, single submitter. Criteria: Invitae Variant Classification Sherloc (09022015). Collection method: clinical testing. Allele origin: germline.
Comment: This sequence change replaces leucine, which is neutral and non-polar, with valine, which is neutral and non-polar, at codon 943 of the HSPG2 protein (p.Leu943Val). This variant is present in population databases (rs779674194, gnomAD 0.1%). This variant has not been reported in the literature in individuals affected with HSPG2-related conditions. ClinVar contains an entry for this variant (Variation ID: 1035982). An algorithm developed to predict the effect of missense changes on protein structure and function outputs the following: PolyPhen-2: "Benign". The valine amino acid residue is found in multiple mammalian species, which suggests that this missense change does not adversely affect protein function. In summary, the available evidence is currently insufficient to determine the role of this variant in disease. Therefore, it has been classified as a Variant of Uncertain Significance.

PreventionGenetics, part of Exact Sciences
Classification: Uncertain significance for HSPG2-related condition. Last evaluated: 2024-11-20. Review status: criteria provided, single submitter. Criteria: ACMG Guidelines, 2015. Collection method: clinical testing. Allele origin: germline.
Comment: The HSPG2 c.2827T>G variant is predicted to result in the amino acid substitution p.Leu943Val. To our knowledge, this variant has not been reported in the literature. This variant is reported in 0.12% of alleles in individuals of South Asian descent in gnomAD. At this time, the clinical significance of this variant is uncertain due to the absence of conclusive functional and genetic evidence.

Ambry Genetics
Classification: Likely benign for Inborn genetic diseases. Last evaluated: 2024-03-04. Review status: criteria provided, single submitter. Criteria: Ambry Variant Classification Scheme 2023. Collection method: clinical testing. Allele origin: germline.

GeneDx
Classification: Uncertain significance. Last evaluated: 2023-02-22. Review status: criteria provided, single submitter. Criteria: GeneDx Variant Classification Process June 2021. Collection method: clinical testing. Allele origin: germline. Affected: yes.
Comment: Has not been previously published as pathogenic or benign to our knowledge; In silico analysis supports that this missense variant does not alter protein structure/function; This variant is associated with the following publications: (PMID: 27535533)